The following is an entry in ClinVar:

NM_020458.4(TTC7A):c.1125C>T (p.Ser375=)

Gene: TTC7A (tetratricopeptide repeat domain 7A; plus strand). Cytogenetic location: 2p21.
Variant type: single nucleotide variant.
Coding change: c.1125C>T on transcript NM_020458.4 (MANE Select); coding-DNA position 1125, C replaced by T.
Protein change: p.Ser375=; no amino-acid change (serine 375 retained).
Molecular consequence: synonymous variant.
Genome position (GRCh38, 1-based): chr2:47,005,981, C>T. VCF-style: chr2-47005981-C-T. GRCh37 (hg19) VCF-style: chr2-47233120-C-T.
Other names: c.1125C>T, p.Ser375= (LRG_1323t1, NM_001288951.2); c.1023C>T, p.Ser341= (NM_001288953.2); c.63C>T, p.Ser21= (NM_001288955.2).
Identifiers: ClinVar variation 528477 (VCV000528477.17), dbSNP rs144037049, ClinGen allele CA1647504.

ClinVar aggregate classification (germline): Likely benign. Review status: criteria provided, multiple submitters, no conflicts (2 of 4 stars). 4 submissions from 4 submitters: Likely benign (3). 1 of the submissions does not count toward it. Last evaluated 2026-04-01.

Conditions:
Multiple gastrointestinal atresias. Also called: Multiple intestinal atresia; FAMILIAL INTESTINAL POLYATRESIA SYNDROME. Identifiers: Orphanet 2300, MedGen C0220744, MONDO:0009465.
TTC7A-related disorder. Also called: TTC7A-related condition.

Allele frequency attached by ClinVar (database versions not stated): TOPMed 0.00037; ESP Exome Variant Server 0.00038; gnomAD 0.00041.
gnomAD v4.1: 812 of 1,614,010 alleles (0.05%); highest among the groups gnomAD compares: Non-Finnish European, 0.055%; no homozygotes.

Submissions (4):

CeGaT Center for Human Genetics Tuebingen
Classification: Likely benign. Last evaluated: 2026-04-01. Review status: criteria provided, single submitter. Criteria: CeGaT Center For Human Genetics Tuebingen Variant Classification Criteria Version 2. Collection method: clinical testing. Allele origin: germline. Affected: yes. Observed: 1 variant allele.
Comment: TTC7A: BP4, BP7

Labcorp Genetics (formerly Invitae), Labcorp
Classification: Likely benign for Multiple gastrointestinal atresias. Last evaluated: 2026-01-26. Review status: criteria provided, single submitter. Criteria: Invitae Variant Classification Sherloc (09022015). Collection method: clinical testing. Allele origin: germline.

Blueprint Genetics
Classification: Likely benign. Last evaluated: 2024-11-26. Review status: criteria provided, single submitter. Criteria: ACMG Guidelines, 2015. Collection method: clinical testing. Allele origin: germline.

PreventionGenetics, part of Exact Sciences
Classification: Likely benign for TTC7A-related condition. Last evaluated: 2024-01-11. Review status: no assertion criteria provided. Collection method: clinical testing. Allele origin: germline. Not counted in ClinVar's aggregate classification.
Comment: This variant is classified as likely benign based on ACMG/AMP sequence variant interpretation guidelines (Richards et al. 2015 PMID: 25741868, with internal and published modifications).